The following is an entry in ClinVar:

ClinVar aggregate classification (germline): Uncertain significance (1 of 4 stars; one submission).

Conditions:
Progressive sclerosing poliodystrophy (MTDPS4A). Also called: Mitochondrial DNA Depletion Syndrome 4A; Alpers-Huttenlocher Syndrome (AHS); ALPERS PROGRESSIVE INFANTILE POLIODYSTROPHY; NEURONAL DEGENERATION OF CHILDHOOD WITH LIVER DISEASE, PROGRESSIVE; Mitochondrial DNA depletion syndrome 4A (Alpers type); Alpers Syndrome. Identifiers: Orphanet 726, MedGen C0205710, MONDO:0008758, OMIM 203700.

Submission:

Labcorp Genetics (formerly Invitae), Labcorp
Classification: Uncertain significance for Progressive sclerosing poliodystrophy. Last evaluated: 2022-04-09. Review status: criteria provided, single submitter. Criteria: Invitae Variant Classification Sherloc (09022015). Collection method: clinical testing. Allele origin: germline.
Comment: In summary, the available evidence is currently insufficient to determine the role of this variant in disease. Therefore, it has been classified as a Variant of Uncertain Significance. Algorithms developed to predict the effect of missense changes on protein structure and function (SIFT, PolyPhen-2, Align-GVGD) all suggest that this variant is likely to be tolerated. This variant has not been reported in the literature in individuals affected with POLG-related conditions. This variant is not present in population databases (gnomAD no frequency). This sequence change replaces serine, which is neutral and polar, with glycine, which is neutral and non-polar, at codon 731 of the POLG protein (p.Ser731Gly).

NM_002693.3(POLG):c.2191A>G (p.Ser731Gly)

Gene: POLG (DNA polymerase gamma, catalytic subunit; minus strand). Cytogenetic location: 15q26.1.
Variant type: single nucleotide variant.
Coding change: c.2191A>G on transcript NM_002693.3 (MANE Select); coding-DNA position 2191, A replaced by G.
Protein change: p.Ser731Gly; replaces serine 731 with glycine.
Molecular consequence: missense variant.
Genome position (GRCh38, 1-based): chr15:89,323,478, T>C on the plus strand (A>G on the coding strand, the complement: POLG is on the minus strand). VCF-style: chr15-89323478-T-C. GRCh37 (hg19) VCF-style: chr15-89866709-T-C.
Other names: c.2191A>G, p.Ser731Gly (NM_001126131.2); short protein forms S731G.
Identifiers: ClinVar variation 2123398 (VCV002123398.4), dbSNP rs2509230256, ClinGen allele CA393756830.
Genomic context (GRCh38, chr15:89,323,478, plus strand): 5'-TGAAAAACCAGCAGCCAGGGATGTCCACGTCGTTGTAAGGTCCATTGCCATGGTGATAGC[T>C]GGGCTGGGTGTCCTTGGGGCCACCACGGGCAGTCTGTGAGGGCCACACACCTATATCAGG-3'
Protein context (NP_002684.1, residues 721-741): ARGGPKDTQP[Ser731Gly]YHHGNGPYND